The following is an entry in ClinVar:

ClinVar aggregate classification (germline): Benign/Likely benign. Review status: criteria provided, multiple submitters, no conflicts (2 of 4 stars). 3 submissions from 3 submitters: Benign (2); Likely benign (1). Last evaluated 2026-06-01.

Allele frequency attached by ClinVar (database versions not stated): ESP Exome Variant Server 0.00015; TOPMed 0.00018; gnomAD 0.00022; gnomAD exomes 0.00030; 1000 Genomes Project 30x 0.00031; ExAC 0.00035; 1000 Genomes Project 0.00040.
gnomAD v4.1: 348 of 1,612,450 alleles (0.022%); highest among the groups gnomAD compares: South Asian, 0.071%; 4 homozygotes.

Submissions (3):

CeGaT Center for Human Genetics Tuebingen
Classification: Likely benign. Last evaluated: 2026-06-01. Review status: criteria provided, single submitter. Criteria: CeGaT Center For Human Genetics Tuebingen Variant Classification Criteria Version 2. Collection method: clinical testing. Allele origin: germline. Affected: yes. Observed: 4 variant alleles.
Comment: KAT6A: BP4, BP7

Labcorp Genetics (formerly Invitae), Labcorp
Classification: Benign. Last evaluated: 2026-01-16. Review status: criteria provided, single submitter. Criteria: Invitae Variant Classification Sherloc (09022015). Collection method: clinical testing. Allele origin: germline.

GeneDx
Classification: Benign. Last evaluated: 2019-10-28. Review status: criteria provided, single submitter. Criteria: GeneDx Variant Classification Process June 2021. Collection method: clinical testing. Allele origin: germline. Affected: yes.

NM_006766.5(KAT6A):c.4779G>A (p.Ser1593=)

Gene: KAT6A (lysine acetyltransferase 6A; minus strand). Cytogenetic location: 8p11.21.
Variant type: single nucleotide variant.
Coding change: c.4779G>A on transcript NM_006766.5 (MANE Select); coding-DNA position 4779, G replaced by A.
Protein change: p.Ser1593=; no amino-acid change (serine 1593 retained).
Molecular consequence: synonymous variant.
Genome position (GRCh38, 1-based): chr8:41,933,441, C>T on the plus strand (G>A on the coding strand, the complement: KAT6A is on the minus strand). VCF-style: chr8-41933441-C-T. GRCh37 (hg19) VCF-style: chr8-41790959-C-T.
Identifiers: ClinVar variation 721663 (VCV000721663.43), dbSNP rs149912064, ClinGen allele CA4729430.